The following is an entry in ClinVar:

NM_003476.5(CSRP3):c.282G>T (p.Gln94His)

Gene: CSRP3 (cysteine and glycine rich protein 3; minus strand). Cytogenetic location: 11p15.1.
Variant type: single nucleotide variant.
Coding change: c.282G>T on transcript NM_003476.5 (MANE Select); coding-DNA position 282, G replaced by T.
Protein change: p.Gln94His; replaces glutamine 94 with histidine.
Molecular consequence: missense variant.
Genome position (GRCh38, 1-based): chr11:19,186,348, C>A on the plus strand (G>T on the coding strand, the complement: CSRP3 is on the minus strand). VCF-style: chr11-19186348-C-A. GRCh37 (hg19) VCF-style: chr11-19207895-C-A.
Other names: c.282G>T (LRG_440t1); c.113G>T, p.Ser38Ile (NM_001369404.1); short protein forms Q94H, S38I.
Identifiers: ClinVar variation 373250 (VCV000373250.5), dbSNP rs550097061, ClinGen allele CA16042736.

ClinVar aggregate classification (germline): Uncertain significance. Review status: criteria provided, multiple submitters, no conflicts (2 of 4 stars). 3 submissions from 2 submitters: Uncertain significance (2). 1 of the submissions does not count toward it. Last evaluated 2024-10-07.

Conditions:
Hypertrophic cardiomyopathy 12. Identifiers: MedGen C2677491, MONDO:0012804, OMIM 612124.
Dilated cardiomyopathy 1M (CMD1M). Identifiers: Orphanet 154, MedGen C1843808, MONDO:0011840, OMIM 607482.

Allele frequency attached by ClinVar (database versions not stated): gnomAD exomes below 0.00001.
gnomAD v4.1: 22 of 1,614,118 alleles (0.0014%); highest among the groups gnomAD compares: Non-Finnish European, 0.0019%; no homozygotes.

Submissions (3):

Labcorp Genetics (formerly Invitae), Labcorp
Classification: Uncertain significance for Hypertrophic cardiomyopathy 12; Dilated cardiomyopathy 1M. Last evaluated: 2024-10-07. Review status: criteria provided, single submitter. Criteria: Invitae Variant Classification Sherloc (09022015). Collection method: clinical testing. Allele origin: germline.
Comment: This sequence change replaces glutamine, which is neutral and polar, with histidine, which is basic and polar, at codon 94 of the CSRP3 protein (p.Gln94His). This variant is present in population databases (rs550097061, gnomAD 0.0009%). This variant has not been reported in the literature in individuals affected with CSRP3-related conditions. ClinVar contains an entry for this variant (Variation ID: 373250). An algorithm developed to predict the effect of missense changes on protein structure and function (PolyPhen-2) suggests that this variant is likely to be tolerated. In summary, the available evidence is currently insufficient to determine the role of this variant in disease. Therefore, it has been classified as a Variant of Uncertain Significance.

GeneDx
Classification: Uncertain significance. Last evaluated: 2021-01-26. Review status: criteria provided, single submitter. Criteria: GeneDx Variant Classification Process June 2021. Collection method: clinical testing. Allele origin: germline. Affected: yes.
Comment: Has not been previously published as pathogenic or benign to our knowledge; Not observed at a significant frequency in large population cohorts (Lek et al., 2016); At the protein level, in silico analysis supports that this missense variant does not alter protein structure/function; At the mRNA level, in silico analysis suggests this variant may impact gene splicing, however, in the absence of RNA/functional studies, the actual effect of this sequence change is unknown

GeneDx
Classification: Uncertain significance. Last evaluated: 2016-11-18. Review status: flagged submission. Criteria: GeneDx Variant Classification (06012015). Collection method: clinical testing. Allele origin: germline. Affected: yes. Not counted in ClinVar's aggregate classification.
Comment: A variant of uncertain significance has been identified in the CSRP3 gene. The Q94H variant has not been published as a pathogenic variant, nor has it been reported as a benign variant to our knowledge. This variant was not observed in approximately 6,500 individuals of European and African American ancestry in the NHLBI Exome Sequencing Project, indicating it is not a common benign variant in these populations. The Q94H variant is a semi-conservative amino acid substitution, which may impact secondary protein structure as these residues differ in some properties. However, this substitution occurs at a position that is not conserved across species and where Histidine is the wild type in the lizard. Finally, in silico analysis is inconsistent in its predictions as to whether or not the variant is damaging to the protein structure/function.Therefore, based on the currently available information, it is unclear whether this variant is pathogenic or rare benign.
ClinVar note: Reason: This record appears to be redundant with a more recent record from the same submitter.
ClinVar note: Notes: SCV000491829 appears to be redundant with SCV001764881.